The following is an entry in ClinVar:

ClinVar aggregate classification (germline): Uncertain significance (1 of 4 stars; one submission).

gnomAD v4.1: 66 of 1,582,136 alleles (0.0042%); highest among the groups gnomAD compares: Non-Finnish European, 0.0047%; no homozygotes.

Submission:

Labcorp Genetics (formerly Invitae), Labcorp
Classification: Uncertain significance. Last evaluated: 2025-11-18. Review status: criteria provided, single submitter. Criteria: Invitae Variant Classification Sherloc (09022015). Collection method: clinical testing. Allele origin: germline.
Comment: This sequence change affects a donor splice site in intron 12 of the GCKR gene. It is expected to disrupt RNA splicing. Variants that disrupt the donor or acceptor splice site typically lead to a loss of protein function (PMID: 16199547), however the current clinical and genetic evidence is not sufficient to establish whether loss-of-function variants in GCKR cause disease. This variant is present in population databases (rs772415703, gnomAD 0.02%). Disruption of this splice site has been observed in individual(s) with dyslipidemia (PMID: 36325899). Algorithms developed to predict the effect of sequence changes on RNA splicing suggest that this variant may disrupt the consensus splice site. In summary, the available evidence is currently insufficient to determine the role of this variant in disease. Therefore, it has been classified as a Variant of Uncertain Significance.

Literature cited by the submitters: PubMed 16199547; PubMed 36325899.

NM_001486.4(GCKR):c.1066+1G>A

Gene: GCKR (glucokinase regulator; plus strand). Cytogenetic location: 2p23.3.
Variant type: single nucleotide variant.
Coding change: c.1066+1G>A on transcript NM_001486.4 (MANE Select); the canonical splice donor site of the intron after coding-DNA position 1066, G replaced by A.
Molecular consequence: splice donor variant.
Genome position (GRCh38, 1-based): chr2:27,506,886, G>A. VCF-style: chr2-27506886-G-A. GRCh37 (hg19) VCF-style: chr2-27729753-G-A.
Identifiers: ClinVar variation 4751637 (VCV004751637.1).
Genomic context (GRCh38, chr2:27,506,886, plus strand): 5'-AGACCCTGGGCATCATTGCCATCATGGATGGAGTAGAGTGCATCCACACCTTTGGTGCTG[G>A]TGGGACCCCAGTCCAGATGTTCTTCCTGCTTCCTCCTGATCCCAACCATTCGGGCTGCTC-3'